The following is an entry in ClinVar:

NM_004820.5(CYP7B1):c.1441G>A (p.Gly481Arg)

Gene: CYP7B1 (cytochrome P450 family 7 subfamily B member 1; minus strand). Cytogenetic location: 8q12.3.
Variant type: single nucleotide variant.
Coding change: c.1441G>A on transcript NM_004820.5 (MANE Select); coding-DNA position 1441, G replaced by A.
Protein change: p.Gly481Arg; replaces glycine 481 with arginine.
Molecular consequence: missense variant. On other transcripts: intron variant (1).
Genome position (GRCh38, 1-based): chr8:64,596,722, C>T on the plus strand (G>A on the coding strand, the complement: CYP7B1 is on the minus strand). VCF-style: chr8-64596722-C-T. GRCh37 (hg19) VCF-style: chr8-65509279-C-T.
Other names: c.1441G>A (NM_004820.3); c.1234-6878G>A (NM_001324112.2); short protein forms G481R.
Identifiers: ClinVar variation 1435396 (VCV001435396.8), dbSNP rs1212638244, ClinGen allele CA371333169.

ClinVar aggregate classification (germline): Uncertain significance. Review status: criteria provided, multiple submitters, no conflicts (2 of 4 stars). 2 submissions from 2 submitters: Uncertain significance (2). Last evaluated 2025-06-17.

Conditions:
Spastic paraplegia. Identifiers: MedGen C0037772, HP:0001258.
Inborn genetic diseases. Identifiers: MedGen C0950123, MeSH D030342.

Allele frequency attached by ClinVar (database versions not stated): TOPMed below 0.00001; gnomAD exomes 0.00001.

Submissions (2):

Ambry Genetics
Classification: Uncertain significance for Inborn genetic diseases. Last evaluated: 2025-06-17. Review status: criteria provided, single submitter. Criteria: Ambry Variant Classification Scheme 2023. Collection method: clinical testing. Allele origin: germline.

Labcorp Genetics (formerly Invitae), Labcorp
Classification: Uncertain significance for Spastic paraplegia. Last evaluated: 2024-10-15. Review status: criteria provided, single submitter. Criteria: Invitae Variant Classification Sherloc (09022015). Collection method: clinical testing. Allele origin: germline.
Comment: This sequence change replaces glycine, which is neutral and non-polar, with arginine, which is basic and polar, at codon 481 of the CYP7B1 protein (p.Gly481Arg). This variant is not present in population databases (gnomAD no frequency). This variant has not been reported in the literature in individuals affected with CYP7B1-related conditions. ClinVar contains an entry for this variant (Variation ID: 1435396). Invitae Evidence Modeling of protein sequence and biophysical properties (such as structural, functional, and spatial information, amino acid conservation, physicochemical variation, residue mobility, and thermodynamic stability) indicates that this missense variant is not expected to disrupt CYP7B1 protein function with a negative predictive value of 95%. In summary, the available evidence is currently insufficient to determine the role of this variant in disease. Therefore, it has been classified as a Variant of Uncertain Significance.